The following is an entry in ClinVar:

ClinVar aggregate classification (germline): Likely pathogenic (1 of 4 stars; one submission).

Conditions:
Bohring-Opitz syndrome. Also called: C-LIKE SYNDROME; BOHRING SYNDROME; OPITZ TRIGONOCEPHALY-LIKE SYNDROME; ASXL1-Related Bohring-Opitz Syndrome. Identifiers: Orphanet 97297, MedGen C0796232, MONDO:0011510, OMIM 605039.

Submission:

Laboratory for Molecular Medicine, Mass General Brigham Personalized Medicine
Classification: Likely pathogenic for Bohring-Opitz syndrome. Last evaluated: 2020-07-03. Review status: criteria provided, single submitter. Criteria: LMM Criteria. Collection method: clinical testing. Allele origin: germline. Inheritance: Autosomal dominant inheritance. Observed: 1 variant allele.
Comment: The p.Lys523X variant in ASXL1 has not been previously reported in individuals with Bohring-Opitz syndrome and was absent from large population studies. This nonsense variant leads to a premature termination codon at position 523, which is predicted to lead to a truncated or absent protein. Loss of function of the ASXL1 gene is an established disease mechanism in autosomal dominant Bohring-Opitz syndrome. In summary, although additional studies are required to fully establish its clinical significance, this variant meets criteria to be classified as likely pathogenic for autosomal dominant Bohring-Opitz syndrome. ACMG/AMP Criteria applied: PVS1, PM2.

NM_015338.6(ASXL1):c.1567A>T (p.Lys523Ter)

Gene: ASXL1 (ASXL transcriptional regulator 1; plus strand). Cytogenetic location: 20q11.21.
Variant type: single nucleotide variant.
Coding change: c.1567A>T on transcript NM_015338.6 (MANE Select); coding-DNA position 1567, A replaced by T.
Protein change: p.Lys523Ter; replaces lysine 523 with a stop codon.
Molecular consequence: nonsense.
Genome position (GRCh38, 1-based): chr20:32,433,765, A>T. VCF-style: chr20-32433765-A-T. GRCh37 (hg19) VCF-style: chr20-31021568-A-T.
Other names: c.1384A>T, p.Lys462Ter (NM_001363734.1); short protein forms K462*, K523*.
Identifiers: ClinVar variation 1120115 (VCV001120115.4), dbSNP rs2123267182, ClinGen allele CA408557404.
Genomic context (GRCh38, chr20:32,433,765, plus strand): 5'-TCTCCAGACAGAATTCCTAGCCTGCCTCAGGAAACTGTGGATCAGGAACCCAAGGATCAG[A>T]AGAGGAAATCCTTTGAGCAGGCGGCCTCTGCATCCTTTCCCGAAAAGAAGCCCCGGCTTG-3'